The following is an entry in ClinVar:

ClinVar aggregate classification (germline): Pathogenic (1 of 4 stars; one submission).

Conditions:
Cystic fibrosis (CF). Also called: MUCOVISCIDOSIS. Identifiers: Orphanet 586, MedGen C0010674, MONDO:0009061, OMIM 219700. Disease mechanism: loss of function.

Submission:

Institute of Human Genetics, University of Leipzig Medical Center
Classification: Pathogenic for Cystic fibrosis. Last evaluated: 2022-09-05. Review status: criteria provided, single submitter. Criteria: ACMG Guidelines, 2015. Collection method: curation. Allele origin: unknown. Affected: yes. Observed: 2 variant alleles.
Comment: This variant was identified in 2 unrelated patients with a clinically confirmed diagnosis of cystic fibrosis. The variant was classified in the context of a project re-classifying variants in the German Cystic Fibrosis Registry (Muko.e.V.). Criteria applied: PVS1, PM2_SUP, PM3_SUP, PP4

NM_000492.4(CFTR):c.3322_3323del (p.Val1108fs)

Genes: CFTR (CF transmembrane conductance regulator; plus strand), CFTR-AS2 (CFTR antisense RNA 2; minus strand), LOC111674472 (DNase I hypersensitive sites in introns 16 and 17a of CFTR; plus strand). Cytogenetic location: 7q31.2.
Variant type: Deletion.
Coding change: c.3322_3323del on transcript NM_000492.4 (MANE Select); coding-DNA positions 3322 to 3323, 2 bases deleted (GT; older notation c.3322_3323delGT).
Protein change: p.Val1108fs; shifts the reading frame from valine 1108.
Molecular consequence: frameshift variant.
Genome position (GRCh38, 1-based): chr7:117,611,763-117,611,764, GT deleted; deleting any 2 consecutive bases within chr7:117,611,762-117,611,764 gives the same sequence; the c. name uses the placement nearest the transcript's 3' end. VCF-style (leftmost placement, unchanged base first): chr7-117611761-TTG-T. GRCh37 (hg19) VCF-style: chr7-117251815-TTG-T.
Other names: short protein forms V1108fs.
Identifiers: ClinVar variation 1706011 (VCV001706011.1), dbSNP rs2485130569, ClinGen allele CA2580076387.
Genomic context (GRCh38, chr7:117,611,761, plus strand): 5'-CCAACTGGTTCTTGTACCTGTCAACACTGCGCTGGTTCCAAATGAGAATAGAAATGATTT[TTG>T]TCATCTTCTTCATTGCTGTTACCTTCATTTCCATTTTAACAACAGGTACTATGAACTCAT-3'